The following is an entry in ClinVar:

NM_001267550.2(TTN):c.36202+3A>G

Gene: TTN (titin; minus strand). Cytogenetic location: 2q31.2.
Variant type: single nucleotide variant.
Coding change: c.36202+3A>G on transcript NM_001267550.2 (MANE Select); 3 bases into the intron after coding-DNA position 36202, A replaced by G.
Molecular consequence: intron variant.
Genome position (GRCh38, 1-based): chr2:178,664,651, T>C on the plus strand (A>G on the coding strand, the complement: TTN is on the minus strand). VCF-style: chr2-178664651-T-C. GRCh37 (hg19) VCF-style: chr2-179529378-T-C.
Other names: c.13283-22334A>G (NM_003319.4); c.13859-22334A>G (NM_133437.4); c.13658-22334A>G (NM_133432.3); c.31484-1596A>G (NM_133378.4); c.34265-1596A>G (NM_001256850.1); c.36202+3A>G (NM_001267550.1).
Identifiers: ClinVar variation 2079873 (VCV002079873.6), dbSNP rs750462314, ClinGen allele CA1997630.

ClinVar aggregate classification (germline): Uncertain significance. Review status: criteria provided, multiple submitters, no conflicts (2 of 4 stars). 3 submissions from 3 submitters: Uncertain significance (3). Last evaluated 2026-07-01.

Conditions:
Autosomal recessive limb-girdle muscular dystrophy type 2J (LGMDR10). Also called: Limb-girdle muscular dystrophy, type 2J; MUSCULAR DYSTROPHY, LIMB-GIRDLE, AUTOSOMAL RECESSIVE 10. Identifiers: Orphanet 140922, MedGen C1837342, MONDO:0012127, OMIM 608807.
Dilated cardiomyopathy 1G (CMD1G). Identifiers: Orphanet 154, MedGen C1858763, MONDO:0011400, OMIM 604145.
TTN-related disorder. Also called: TTN-related disorders; TTN-related condition; TTN-related disease.

Allele frequency attached by ClinVar (database versions not stated): TOPMed 0.00001; ExAC 0.00002; gnomAD 0.00002; gnomAD exomes 0.00002.
gnomAD v4.1: 34 of 1,612,210 alleles (0.0021%); highest among the groups gnomAD compares: African/African-American, 0.0027%; no homozygotes.

Submissions (3):

PreventionGenetics, part of Exact Sciences
Classification: Uncertain significance for TTN-related condition. Last evaluated: 2026-07-01. Review status: criteria provided, single submitter. Criteria: ACMG Guidelines, 2015. Collection method: clinical testing. Allele origin: germline.
Comment: The TTN c.36202+3A>G variant is predicted to interfere with splicing. This variant is predicted to impact splicing based on splicing prediction programs (SpliceAI, Jaganathan K, et al. 2019. PubMed ID: 30661751). However, the use of computer prediction programs is not equivalent to functional evidence. To our knowledge, this variant has not been reported in the literature. This variant is reported in 0.0044% of alleles in individuals of African descent in gnomAD and is interpreted as uncertain in ClinVar (Variation ID: 2079873). At this time, the clinical significance of this variant is uncertain due to the absence of conclusive functional and genetic evidence.

Labcorp Genetics (formerly Invitae), Labcorp
Classification: Uncertain significance for Dilated cardiomyopathy 1G; Autosomal recessive limb-girdle muscular dystrophy type 2J. Last evaluated: 2026-01-15. Review status: criteria provided, single submitter. Criteria: Invitae Variant Classification Sherloc (09022015). Collection method: clinical testing. Allele origin: germline.
Comment: This sequence change falls in intron 167 of the TTN gene. It does not directly change the encoded amino acid sequence of the TTN protein. It affects a nucleotide within the consensus splice site. This variant is present in population databases (rs750462314, gnomAD 0.004%). This variant has not been reported in the literature in individuals affected with TTN-related conditions. ClinVar contains an entry for this variant (Variation ID: 2079873). Variants that disrupt the consensus splice site are a relatively common cause of aberrant splicing (PMID: 17576681, 9536098). Algorithms developed to predict the effect of sequence changes on RNA splicing suggest that this variant may disrupt the consensus splice site. This variant is located in the I band of TTN (PMID: 25589632). Non-truncating variants in this region may be clinically relevant, but have not been definitively shown to cause cardiomyopathy or neuromuscular disease (PMID: 27493940, 32778822). In summary, the available evidence is currently insufficient to determine the role of this variant in disease. Therefore, it has been classified as a Variant of Uncertain Significance.

Athena Diagnostics
Classification: Uncertain significance. Last evaluated: 2025-10-02. Review status: criteria provided, single submitter. Criteria: Athena Diagnostics Criteria. Collection method: clinical testing. Allele origin: unknown.
Comment: Available data are insufficient to determine the clinical significance of the variant at this time. The frequency of this variant in the general population is uninformative in assessment of its pathogenicity. This variant is 3 bp downstream of exon 167 in the longest isoform of TTN, inferred model NM_001267550.1. However, this exon is not present in the main skeletal and cardiac muscle isoforms of TTN. Computational tools yielded predictions that this variant may interfere with normal RNA splicing of the longest isoform of TTN, inferred model NM_001267550.1. It is unclear how this may impact the main skeletal and cardiac muscle isoforms of TTN.

Literature cited by the submitters: PubMed 17576681 (cited by Labcorp Genetics (formerly Invitae), Labcorp); PubMed 9536098 (cited by Labcorp Genetics (formerly Invitae), Labcorp); PubMed 25589632 (cited by Labcorp Genetics (formerly Invitae), Labcorp); PubMed 27493940 (cited by Labcorp Genetics (formerly Invitae), Labcorp); PubMed 32778822 (cited by Labcorp Genetics (formerly Invitae), Labcorp).